The following is an entry in ClinVar:

NM_001127255.2(NLRP7):c.2161C>T (p.Arg721Trp)

Genes: NCR1 (natural cytotoxicity triggering receptor 1), NLRP7 (NLR family pyrin domain containing 7; minus strand). Cytogenetic location: 19q13.42.
Variant type: single nucleotide variant.
Coding change: c.2161C>T on transcript NM_001127255.2 (MANE Select); coding-DNA position 2161, C replaced by T.
Protein change: p.Arg721Trp; replaces arginine 721 with tryptophan.
Molecular consequence: missense variant.
Genome position (GRCh38, 1-based): chr19:54,936,400, G>A on the plus strand (C>T on the coding strand, the complement: NLRP7 is on the minus strand). VCF-style: chr19-54936400-G-A. GRCh37 (hg19) VCF-style: chr19-55447768-G-A.
Other names: c.2161C>T, p.Arg721Trp (NM_001405531.1, NM_206828.4); c.2077C>T, p.Arg693Trp (NM_139176.4); short protein forms R721W, R693W.
Identifiers: ClinVar variation 97748 (VCV000097748.4), dbSNP rs104895525, ClinGen allele CA150021.

ClinVar aggregate classification (germline): Pathogenic. Review status: criteria provided, single submitter (1 of 4 stars). 2 submissions from 2 submitters: Pathogenic (1). 1 of the submissions does not count toward it. Last evaluated 2023-12-21.

Conditions:
Hydatidiform mole, recurrent, 1 (HYDM1). Identifiers: Orphanet 254688, Orphanet 99927, MedGen C3463897, MONDO:0009273, OMIM 231090. Disease mechanism: loss of function.

Allele frequency attached by ClinVar (database versions not stated): gnomAD 0.00001 and 0.00002; gnomAD exomes 0.00002 and 0.00006; TOPMed 0.00003; ExAC 0.00003.
gnomAD v4.1: 36 of 1,614,004 alleles (0.0022%); highest among the groups gnomAD compares: East Asian, 0.0045%; no homozygotes.

Submissions (2):

Victorian Clinical Genetics Services, Murdoch Childrens Research Institute
Classification: Pathogenic for Hydatidiform mole, recurrent, 1. Last evaluated: 2023-12-21. Review status: criteria provided, single submitter. Criteria: ACMG Guidelines, 2015. Collection method: clinical testing. Allele origin: germline. Inheritance: Autosomal recessive inheritance. Affected: yes.
Comment: Based on the classification scheme VCGS_Germline_v1.3.4, this variant is classified as Pathogenic. Following criteria are met: 0102 - Loss of function is the likely mechanism of disease in this gene and is associated with hydatidiform mole, recurrent 1 (MIM#231090). (I) 0106 - This gene is associated with autosomal recessive disease. (I) 0113 - This gene is postulated to be associated with a maternal multi-locus imprinting defect (PMID: 35842788). (I) 0200 - Variant is predicted to result in a missense amino acid change from arginine to tryptophan. (I) 0251 - This variant is heterozygous. (I) 0304 - Variant is present in gnomAD <0.01 for a recessive condition (v2; 15 heterozygotes, 0 homozygotes). (SP) 0309 - An alternative amino acid change at the same position has been observed in gnomAD (v2; 12 heterozygotes, 0 homozygotes). (I) 0502 - Missense variant with conflicting in silico predictions and uninformative conservation. However, this residue is well-conserved in primates and in silico tools are unreliable due to lineage-specific evolution (PMID: 19682372). (I) 0600 - Variant is located in the leucine-rich region (PMID: 19246479). (I) 0705 - No comparable missense variants have previous evidence for pathogenicity. (I) 0801 - This variant has strong previous evidence of pathogenicity in unrelated individuals. This variant has been reported as homozygous or compound heterozygous in at least 6 unrelated individuals with recurrent atypical hydatidiform moles (PMID 26956250; PMID 19246479; PMID 21439709; PMID 26544189; PMID: 36001209; PMID: 32484253). (SP) 0905 - No published segregation evidence has been identified for this variant. (I) 1007 - No published functional evidence has been identified for this variant. (I) 1101 - Very strong and specific phenotype match for this individual. (SP) 1208 - Inheritance information for this variant is not currently available in this individual. (I) Legend: (SP) - Supporting pathogenic, (I) - Information, (SB) - Supporting benign

Unité médicale des maladies autoinflammatoires, CHRU Montpellier
No classification provided. Condition: Hydatidiform mole. Review status: no classification provided. Collection method: not provided. Allele origin: unknown. Not counted in ClinVar's aggregate classification.

Literature cited by the submitters: PubMed 19246479 (cited by Victorian Clinical Genetics Services, Murdoch Childrens Research Institute); PubMed 19682372 (cited by Victorian Clinical Genetics Services, Murdoch Childrens Research Institute); PubMed 21439709 (cited by Victorian Clinical Genetics Services, Murdoch Childrens Research Institute); PubMed 26544189 (cited by Victorian Clinical Genetics Services, Murdoch Childrens Research Institute); PubMed 26956250 (cited by Victorian Clinical Genetics Services, Murdoch Childrens Research Institute); PubMed 32484253 (cited by Victorian Clinical Genetics Services, Murdoch Childrens Research Institute); PubMed 35842788 (cited by Victorian Clinical Genetics Services, Murdoch Childrens Research Institute); PubMed 36001209 (cited by Victorian Clinical Genetics Services, Murdoch Childrens Research Institute).